The following is an entry in ClinVar:

ClinVar aggregate classification (germline): Benign (0 of 4 stars; one submission).

Conditions:
COL15A1-related disorder. Also called: COL15A1-related condition.

Allele frequency attached by ClinVar (database versions not stated): ESP Exome Variant Server 0.12248; gnomAD 0.12509; 1000 Genomes Project 0.18251; 1000 Genomes Project 30x 0.18254.
gnomAD v4.1: 136,926 of 1,612,676 alleles (8.5%); highest among the groups gnomAD compares: East Asian, 24%; 8,111 homozygotes.

Submission:

PreventionGenetics, part of Exact Sciences
Classification: Benign for COL15A1-related condition. Last evaluated: 2019-11-25. Review status: no assertion criteria provided. Collection method: clinical testing. Allele origin: germline.
Comment: This variant is classified as benign based on ACMG/AMP sequence variant interpretation guidelines (Richards et al. 2015 PMID: 25741868, with internal and published modifications).

NM_001855.5(COL15A1):c.3994G>A (p.Val1332Ile)

Gene: COL15A1 (collagen type XV alpha 1 chain; plus strand). Cytogenetic location: 9q22.33.
Variant type: single nucleotide variant.
Coding change: c.3994G>A on transcript NM_001855.5 (MANE Select); coding-DNA position 3994, G replaced by A.
Protein change: p.Val1332Ile; replaces valine 1332 with isoleucine.
Molecular consequence: missense variant.
Genome position (GRCh38, 1-based): chr9:99,069,713, G>A. VCF-style: chr9-99069713-G-A. GRCh37 (hg19) VCF-style: chr9-101831995-G-A.
Other names: short protein forms V1332I.
Identifiers: ClinVar variation 3060210 (VCV003060210.2), dbSNP rs10519, ClinGen allele CA5156041.